The following is an entry in ClinVar:

ClinVar aggregate classification (germline): Pathogenic (1 of 4 stars; one submission).

Conditions:
Duchenne muscular dystrophy (DMD). Also called: MUSCULAR DYSTROPHY, PSEUDOHYPERTROPHIC PROGRESSIVE, DUCHENNE TYPE; Duchenne Muscular Dystrophy (DMD). Identifiers: Orphanet 98896, MedGen C0013264, MONDO:0010679, OMIM 310200.

Submission:

Labcorp Genetics (formerly Invitae), Labcorp
Classification: Pathogenic for Duchenne muscular dystrophy. Last evaluated: 2023-03-19. Review status: criteria provided, single submitter. Criteria: Invitae Variant Classification Sherloc (09022015). Collection method: clinical testing. Allele origin: germline.
Comment: This variant is not present in population databases (gnomAD no frequency). This sequence change creates a premature translational stop signal (p.Glu2508*) in the DMD gene. It is expected to result in an absent or disrupted protein product. Loss-of-function variants in DMD are known to be pathogenic (PMID: 16770791, 25007885). This variant has not been reported in the literature in individuals affected with DMD-related conditions. For these reasons, this variant has been classified as Pathogenic.

Literature cited by the submitters: PubMed 16770791; PubMed 25007885.

NM_004006.3(DMD):c.7522G>T (p.Glu2508Ter)

Gene: DMD (dystrophin; minus strand). Cytogenetic location: Xp21.1.
Variant type: single nucleotide variant.
Coding change: c.7522G>T on transcript NM_004006.3 (MANE Select); coding-DNA position 7522, G replaced by T.
Protein change: p.Glu2508Ter; replaces glutamic acid 2508 with a stop codon.
Molecular consequence: nonsense.
Genome position (GRCh38, 1-based): chrX:31,773,980, C>A on the plus strand (G>T on the coding strand, the complement: DMD is on the minus strand). VCF-style: chrX-31773980-C-A. GRCh37 (hg19) VCF-style: chrX-31792097-C-A.
Other names: c.7498G>T, p.Glu2500Ter (NM_000109.4); c.7510G>T, p.Glu2504Ter (NM_004009.3); c.7153G>T, p.Glu2385Ter (NM_004010.3); c.3499G>T, p.Glu1167Ter (NM_004011.4); c.3490G>T, p.Glu1164Ter (NM_004012.4); c.142G>T, p.Glu48Ter (NM_004013.3, NM_004020.4, NM_004021.3 and 2 more transcripts); short protein forms E1164*, E2508*, E48*, E1167*, E2385*, E2500*, E2504*.
Identifiers: ClinVar variation 2847466 (VCV002847466.3), dbSNP rs779517657, ClinGen allele CA412658667.
Genomic context (GRCh38, chrX:31,773,980, plus strand): 5'-AAGAAAAACTTCTGCCAACTTTTATCATTTTTTCTCATACCTTCTGCTTGATGATCATCT[C>A]GTTGATATCCTCAAGGTCACCCACCATCACCCTCTGTGATTTTATAACTTGATCAAGCAG-3'